The following is an entry in ClinVar:

ClinVar aggregate classification (germline): Uncertain significance. Review status: criteria provided, multiple submitters, no conflicts (2 of 4 stars). 2 submissions from 2 submitters: Uncertain significance (2). Last evaluated 2024-02-24.

Conditions:
Polyps, multiple and recurrent inflammatory fibroid, gastrointestinal. Identifiers: MedGen C5193005, MONDO:0008285, OMIM 175510.
Gastrointestinal stromal tumor. Also called: Gastrointestinal stromal tumor, somatic; Gastrointestinal stroma tumor. Identifiers: Orphanet 44890, MedGen C0238198, MeSH D046152, MONDO:0011719, OMIM 606764, HP:0100723.

Allele frequency attached by ClinVar (database versions not stated): gnomAD exomes below 0.00001 and 0.00001.
gnomAD v4.1: 2 of 1,611,984 alleles (0.00012%); highest among the groups gnomAD compares: Middle Eastern, 0.017%; no homozygotes.

Submissions (2):

Labcorp Genetics (formerly Invitae), Labcorp
Classification: Uncertain significance for Gastrointestinal stromal tumor. Last evaluated: 2024-02-24. Review status: criteria provided, single submitter. Criteria: Invitae Variant Classification Sherloc (09022015). Collection method: clinical testing. Allele origin: germline.
Comment: This sequence change replaces lysine, which is basic and polar, with glutamic acid, which is acidic and polar, at codon 964 of the PDGFRA protein (p.Lys964Glu). This variant is present in population databases (no rsID available, gnomAD 0.006%). This variant has not been reported in the literature in individuals affected with PDGFRA-related conditions. ClinVar contains an entry for this variant (Variation ID: 568876). Advanced modeling of protein sequence and biophysical properties (such as structural, functional, and spatial information, amino acid conservation, physicochemical variation, residue mobility, and thermodynamic stability) performed at Invitae indicates that this missense variant is not expected to disrupt PDGFRA protein function with a negative predictive value of 80%. In summary, the available evidence is currently insufficient to determine the role of this variant in disease. Therefore, it has been classified as a Variant of Uncertain Significance.

Baylor Genetics
Classification: Uncertain significance for Polyps, multiple and recurrent inflammatory fibroid, gastrointestinal. Last evaluated: 2023-07-12. Review status: criteria provided, single submitter. Criteria: ACMG Guidelines, 2015. Collection method: clinical testing. Allele origin: unknown.

NM_006206.6(PDGFRA):c.2890A>G (p.Lys964Glu)

Gene: PDGFRA (platelet derived growth factor receptor alpha; plus strand). Cytogenetic location: 4q12.
Variant type: single nucleotide variant.
Coding change: c.2890A>G on transcript NM_006206.6 (MANE Select); coding-DNA position 2890, A replaced by G.
Protein change: p.Lys964Glu; replaces lysine 964 with glutamic acid.
Molecular consequence: missense variant.
Genome position (GRCh38, 1-based): chr4:54,290,322, A>G. VCF-style: chr4-54290322-A-G. GRCh37 (hg19) VCF-style: chr4-55156489-A-G.
Other names: c.2965A>G, p.Lys989Glu (NM_001347828.2); c.2890A>G, p.Lys964Glu (NM_001347829.2); c.2929A>G, p.Lys977Glu (NM_001347830.2); short protein forms K964E, K989E, K977E.
Identifiers: ClinVar variation 568876 (VCV000568876.9), dbSNP rs1290364180, ClinGen allele CA356895927.